The following is an entry in ClinVar:

NM_015331.3(NCSTN):c.214G>A (p.Val72Ile)

Gene: NCSTN (nicastrin; plus strand). Cytogenetic location: 1q23.2.
Variant type: single nucleotide variant.
Coding change: c.214G>A on transcript NM_015331.3 (MANE Select); coding-DNA position 214, G replaced by A.
Protein change: p.Val72Ile; replaces valine 72 with isoleucine.
Molecular consequence: missense variant.
Genome position (GRCh38, 1-based): chr1:160,349,022, G>A. VCF-style: chr1-160349022-G-A. GRCh37 (hg19) VCF-style: chr1-160318812-G-A.
Other names: c.154G>A, p.Val52Ile (NM_001290184.2); c.214G>A, p.Val72Ile (NM_001290186.2, NM_001349729.2); short protein forms V52I, V72I.
Identifiers: ClinVar variation 2123449 (VCV002123449.4), dbSNP rs201411978, ClinGen allele CA343276499.
Genomic context (GRCh38, chr1:160,349,022, plus strand): 5'-TATGGGAGCTTTAATTTGACTCATTCTGTCCTGGCAGCTTCAATTAGTGGAGACACAGGG[G>A]TTATCCACGTAGTAGAGAAAGAGGAGGACCTACAGTGGGTATTGACTGATGGCCCCAACC-3'
Protein context (NP_056146.1, residues 62-82): CQSSISGDTG[Val72Ile]IHVVEKEEDL

ClinVar aggregate classification (germline): Uncertain significance (1 of 4 stars; one submission).

Submission:

Labcorp Genetics (formerly Invitae), Labcorp
Classification: Uncertain significance. Last evaluated: 2022-04-09. Review status: criteria provided, single submitter. Criteria: Invitae Variant Classification Sherloc (09022015). Collection method: clinical testing. Allele origin: germline.
Comment: In summary, the available evidence is currently insufficient to determine the role of this variant in disease. Therefore, it has been classified as a Variant of Uncertain Significance. Algorithms developed to predict the effect of missense changes on protein structure and function output the following: SIFT: "Tolerated"; PolyPhen-2: "Benign"; Align-GVGD: "Class C0". The isoleucine amino acid residue is found in multiple mammalian species, which suggests that this missense change does not adversely affect protein function. This variant has not been reported in the literature in individuals affected with NCSTN-related conditions. This variant is not present in population databases (gnomAD no frequency). This sequence change replaces valine, which is neutral and non-polar, with isoleucine, which is neutral and non-polar, at codon 72 of the NCSTN protein (p.Val72Ile).